The following is an entry in ClinVar:

ClinVar aggregate classification (germline): Pathogenic (1 of 4 stars; one submission).

Conditions:
Bardet-Biedl syndrome (BBS). Identifiers: Orphanet 110, MedGen C0752166, MONDO:0015229.

Submission:

Labcorp Genetics (formerly Invitae), Labcorp
Classification: Pathogenic for Bardet-Biedl syndrome. Last evaluated: 2019-10-22. Review status: criteria provided, single submitter. Criteria: Invitae Variant Classification Sherloc (09022015). Collection method: clinical testing. Allele origin: germline.
Comment: A gross deletion of the genomic region encompassing the full coding sequence of the BBS10 gene has been identified. The boundaries of this event are unknown as the deletion extends beyond the assayed region for this gene and therefore may encompass additional genes. This variant has not been reported in the literature in individuals with BBS10-related conditions. Loss-of-function variants in BBS10 are known to be pathogenic (PMID: 16582908). For these reasons, this variant has been classified as Pathogenic.

NC_000012.12:g.(?_76345803)_(76348368_?)del

Gene: BBS10 (Bardet-Biedl syndrome 10; minus strand). Cytogenetic location: 12q21.2.
Variant type: Deletion.
Identifiers: ClinVar variation 830774 (VCV000830774.1).